The following is an entry in ClinVar:

NM_182914.3(SYNE2):c.19779_19780del (p.Glu6594fs)

Gene: SYNE2 (spectrin repeat containing nuclear envelope protein 2; plus strand). Cytogenetic location: 14q23.2.
Variant type: Deletion.
Coding change: c.19779_19780del on transcript NM_182914.3 (MANE Select); coding-DNA positions 19779 to 19780, 2 bases deleted (TG; older notation c.19779_19780delTG).
Protein change: p.Glu6594fs; shifts the reading frame from glutamic acid 6594.
Molecular consequence: frameshift variant.
Genome position (GRCh38, 1-based): chr14:64,219,329-64,219,330, TG deleted. VCF-style (leftmost placement, unchanged base first): chr14-64219328-CTG-C. GRCh37 (hg19) VCF-style: chr14-64686046-CTG-C.
Other names: c.19710_19711del, p.Glu6571fs (NM_015180.6); c.303_304del, p.Glu102fs (NM_182910.2); c.681_682del, p.Glu228fs (NM_182913.4); short protein forms E102fs, E228fs, E6571fs, E6594fs.
Identifiers: ClinVar variation 4279776 (VCV004279776.1).
Genomic context (GRCh38, chr14:64,219,328, plus strand): 5'-AACAAAATTTGCAACAGCTGAACTCTGATATCAGCGCCATCACTACTTGGCTGAAAAAAA[CTG>C]AAGCAGAGCTGGAAATGTTAAAGATGGCAAAGCCTCCCTCTGATATCCAGGAAATAGAAC-3'

ClinVar aggregate classification (germline): Uncertain significance (1 of 4 stars; one submission).

Conditions:
Emery-Dreifuss muscular dystrophy 5, autosomal dominant (EDMD5). Also called: EMERY-DREIFUSS MUSCULAR DYSTROPHY 5. Identifiers: Orphanet 261, MedGen C2751805, MONDO:0013072, OMIM 612999.

Submission:

Clinical Genomics Laboratory, Washington University in St. Louis
Classification: Uncertain significance for Emery-Dreifuss muscular dystrophy 5, autosomal dominant. Last evaluated: 2025-05-15. Review status: criteria provided, single submitter. Criteria: ACMG Guidelines, 2015. Collection method: clinical testing. Allele origin: germline.
Comment: The SYNE2 c.19779_19780del (p.Glu6594Serfs*14) variant, to our knowledge, has not been reported in the medical literature. This variant is absent from the general population (gnomAD v.2.1.1), indicating it is not a common variant. This variant causes a frameshift by deleting two nucleotides, resulting in a premature termination codon. Although it is predicted to undergo nonsense-mediated decay, loss of function is not an established disease mechanism for this gene. Due to limited information, and based on ACMG/AMP guidelines for variant interpretation (Richards S et al., PMID: 25741868), the clinical significance of this variant is uncertain at this time.